The following is an entry in ClinVar:

ClinVar aggregate classification (germline): Likely benign (1 of 4 stars; one submission).

Allele frequency attached by ClinVar (database versions not stated): 1000 Genomes Project 30x 0.00016; 1000 Genomes Project 0.00020; gnomAD 0.00086; ESP Exome Variant Server 0.00088; TOPMed 0.00100; ExAC 0.00127.

Submission:

CeGaT Center for Human Genetics Tuebingen
Classification: Likely benign. Last evaluated: 2024-03-01. Review status: criteria provided, single submitter. Criteria: CeGaT Center For Human Genetics Tuebingen Variant Classification Criteria Version 2. Collection method: clinical testing. Allele origin: germline. Affected: yes. Observed: 1 variant allele.
Comment: ADGRF2P: BP4, BP7

NR_184444.1(ADGRF2):n.2032C>T

Gene: ADGRF2 (adhesion G protein-coupled receptor F2; plus strand). Cytogenetic location: 6p12.3.
Variant type: single nucleotide variant.
Molecular consequence: non-coding transcript variant (on NR_184445.1).
Genome position: GRCh38 VCF-style: chr6-47682401-C-T. GRCh37 (hg19) VCF-style: chr6-47650137-C-T.
Identifiers: ClinVar variation 3067227 (VCV003067227.21), dbSNP rs200862951, ClinGen allele CA3845012.
Genomic context (GRCh38, chr6:47,682,401, plus strand): 5'-CTGGCTCAACTGGGACATGACCAAAGCCCTCCTGGCCTTCGTGATCCCAGCTTTGGCCAT[C>T]GTGGTAGTAAACCTGATCACAGTCACACTGGTGATTGTCAAGACCCAGCGAGCTGCCATT-3'